The following is an entry in ClinVar:

ClinVar aggregate classification (germline): Likely pathogenic (1 of 4 stars; one submission).

Conditions:
Usher syndrome type 2A. Also called: RETINAL DISEASE IN USHER SYNDROME TYPE IIA, MODIFIER OF; USHER SYNDROME, TYPE IIA. Identifiers: Orphanet 231178, Orphanet 886, MedGen C1848634, MONDO:0010169, OMIM 276901.

Submission:

Myriad Genetics, Inc.
Classification: Likely pathogenic for Usher syndrome type 2A. Last evaluated: 2022-03-30. Review status: criteria provided, single submitter. Criteria: Myriad Women's Health Autosomal Recessive and X-Linked Classification Criteria (2021). Collection method: clinical testing. Allele origin: unknown.
Comment: NM_206933.2(USH2A):c.8182C>T(Q2728*) is expected to be pathogenic in the context of USH2A-related disorders. This variant is predicted to lead to an abnormal or absent protein product due to the creation of a premature termination codon in USH2A, a gene where loss-of-function variants are known to be pathogenic. Please note: this variant was assessed in the context of healthy population screening.

NM_206933.4(USH2A):c.8182C>T (p.Gln2728Ter)

Gene: USH2A (usherin; minus strand). Cytogenetic location: 1q41.
Variant type: single nucleotide variant.
Coding change: c.8182C>T on transcript NM_206933.4 (MANE Select); coding-DNA position 8182, C replaced by T.
Protein change: p.Gln2728Ter; replaces glutamine 2728 with a stop codon.
Molecular consequence: nonsense.
Genome position (GRCh38, 1-based): chr1:215,888,467, G>A on the plus strand (C>T on the coding strand, the complement: USH2A is on the minus strand). VCF-style: chr1-215888467-G-A. GRCh37 (hg19) VCF-style: chr1-216061809-G-A.
Other names: short protein forms Q2728*.
Identifiers: ClinVar variation 1725576 (VCV001725576.2), dbSNP rs2464747975, ClinGen allele CA344838501.
Genomic context (GRCh38, chr1:215,888,467, plus strand): 5'-AGAATAGTCAGTATCTTACCTGGACTGCATCGGGTTCCAGCACTGTCACCACAGGTGGCT[G>A]CACCCCAGCAGGTCGTGAGGGTCTTGTGGTAACTTCTACCCAAGCACTGCTGTTTGTGCC-3'